The following is an entry in ClinVar:

ClinVar aggregate classification (germline): Uncertain significance (1 of 4 stars; one submission).

Allele frequency attached by ClinVar (database versions not stated): gnomAD exomes below 0.00001.
gnomAD v4.1: 1 of 1,614,028 alleles (0.000062%); highest among the groups gnomAD compares: Non-Finnish European, 0.000085%; no homozygotes.

Submission:

Labcorp Genetics (formerly Invitae), Labcorp
Classification: Uncertain significance. Last evaluated: 2022-03-31. Review status: criteria provided, single submitter. Criteria: Invitae Variant Classification Sherloc (09022015). Collection method: clinical testing. Allele origin: germline.
Comment: This sequence change replaces leucine, which is neutral and non-polar, with valine, which is neutral and non-polar, at codon 509 of the SCARB1 protein (p.Leu509Val). This variant is not present in population databases (gnomAD no frequency). This variant has not been reported in the literature in individuals affected with SCARB1-related conditions. Algorithms developed to predict the effect of missense changes on protein structure and function are either unavailable or do not agree on the potential impact of this missense change (SIFT: "Tolerated"; PolyPhen-2: "Probably Damaging"; Align-GVGD: "Class C0"). In summary, the available evidence is currently insufficient to determine the role of this variant in disease. Therefore, it has been classified as a Variant of Uncertain Significance.

NM_005505.5(SCARB1):c.1525C>G (p.Leu509Val)

Gene: SCARB1 (scavenger receptor class B member 1; minus strand). Cytogenetic location: 12q24.31.
Variant type: single nucleotide variant.
Coding change: c.1525C>G on transcript NM_005505.5 (MANE Select); coding-DNA position 1525, C replaced by G.
Protein change: p.Leu509Val; replaces leucine 509 with valine.
Molecular consequence: missense variant. On other transcripts: non-coding transcript variant (5), intron variant (3).
Genome position (GRCh38, 1-based): chr12:124,782,688, G>C on the plus strand (C>G on the coding strand, the complement: SCARB1 is on the minus strand). VCF-style: chr12-124782688-G-C. GRCh37 (hg19) VCF-style: chr12-125267234-G-C.
Other names: c.1531C>G, p.Leu511Val (NM_001367983.1); c.1522C>G, p.Leu508Val (NM_001367984.1); c.1501C>G, p.Leu501Val (NM_001367985.1); c.1441C>G, p.Leu481Val (NM_001367986.1); c.1123C>G, p.Leu375Val (NM_001367988.1); c.1525C>G, p.Leu509Val (NM_001367989.1); c.1203+3669C>G (NM_001367987.1); c.1401+3669C>G (NM_001082959.2); and 1 more; short protein forms L481V, L509V, L511V, L508V, L375V, L501V.
Identifiers: ClinVar variation 1968028 (VCV001968028.5), dbSNP rs2548093315, ClinGen allele CA387208070.